The following is an entry in ClinVar:

Conditions:
Cornelia de Lange syndrome 3 (CDLS3). Also called: CORNELIA DE LANGE SYNDROME 3 WITH OR WITHOUT MIDLINE BRAIN DEFECTS; SMC3-Related Cornelia de Lange Syndrome. Identifiers: Orphanet 199, MedGen C1853099, MONDO:0012555, OMIM 610759.

Submission:

Pediatric Research Institute, Henan Children’s Hospital
No classification provided (evidence only). Condition: Cornelia de Lange syndrome 3. Review status: no classification provided. Collection method: in vitro. Allele origin: not applicable. Inheritance: Autosomal dominant inheritance. Functional consequence: effect on RNA splicing.
ClinVar note: "not provided" was previously submitted as the classification for the variant. However, the classification appeared to be based only on an observation of functional data so it was converted to no classification on 2025-07-30.

NM_005445.4(SMC3):c.2535+1G>A

Gene: SMC3 (structural maintenance of chromosomes 3; plus strand). Cytogenetic location: 10q25.2.
Variant type: single nucleotide variant.
Coding change: c.2535+1G>A on transcript NM_005445.4 (MANE Select); the canonical splice donor site of the intron after coding-DNA position 2535, G replaced by A.
Molecular consequence: splice donor variant.
Genome position (GRCh38, 1-based): chr10:110,600,547, G>A. VCF-style: chr10-110600547-G-A. GRCh37 (hg19) VCF-style: chr10-112360305-G-A.
Identifiers: ClinVar variation 2687784 (VCV002687784.3), dbSNP rs2493145304, ClinGen allele CA378393094.